The following is an entry in ClinVar:

ClinVar aggregate classification (germline): Uncertain significance. Review status: criteria provided, multiple submitters, no conflicts (2 of 4 stars). 2 submissions from 2 submitters: Uncertain significance (2). Last evaluated 2022-05-12.

Conditions:
Nephrolithiasis/nephrocalcinosis. Identifiers: MedGen CN580796.
Familial hypocalciuric hypercalcemia (FHH). Also called: Familial benign hypercalcemia. Identifiers: Orphanet 405, MedGen C1809471, MONDO:0018458.
Autosomal dominant hypocalcemia 1 (HYPOC1). Also called: HYPOCALCEMIA, FAMILIAL. Identifiers: MedGen C3715128, MONDO:0011013, OMIM 601198.

Allele frequency attached by ClinVar (database versions not stated): gnomAD exomes below 0.00001 and 0.00001; gnomAD 0.00001.
gnomAD v4.1: 9 of 1,614,100 alleles (0.00056%); highest among the groups gnomAD compares: Non-Finnish European, 0.00076%; no homozygotes.

Submissions (2):

Ambry Genetics
Classification: Uncertain significance for Nephrolithiasis/nephrocalcinosis. Last evaluated: 2022-05-12. Review status: criteria provided, single submitter. Criteria: Ambry Variant Classification Scheme 2023. Collection method: clinical testing. Allele origin: germline.
Comment: The p.G1031D variant (also known as c.3092G>A), located in coding exon 6 of the CASR gene, results from a G to A substitution at nucleotide position 3092. The glycine at codon 1031 is replaced by aspartic acid, an amino acid with similar properties. This amino acid position is conserved. In addition, this alteration is predicted to be tolerated by in silico analysis. Since supporting evidence is limited at this time, the clinical significance of this alteration remains unclear.

Labcorp Genetics (formerly Invitae), Labcorp
Classification: Uncertain significance for Familial hypocalciuric hypercalcemia; Autosomal dominant hypocalcemia 1. Last evaluated: 2022-03-21. Review status: criteria provided, single submitter. Criteria: Invitae Variant Classification Sherloc (09022015). Collection method: clinical testing. Allele origin: germline.
Comment: In summary, the available evidence is currently insufficient to determine the role of this variant in disease. Therefore, it has been classified as a Variant of Uncertain Significance. Algorithms developed to predict the effect of missense changes on protein structure and function output the following: SIFT: "Deleterious"; PolyPhen-2: "Benign"; Align-GVGD: "Class C0". The aspartic acid amino acid residue is found in multiple mammalian species, which suggests that this missense change does not adversely affect protein function. ClinVar contains an entry for this variant (Variation ID: 1037558). This variant has not been reported in the literature in individuals affected with CASR-related conditions. This variant is present in population databases (rs201739901, gnomAD 0.0009%). This sequence change replaces glycine, which is neutral and non-polar, with aspartic acid, which is acidic and polar, at codon 1031 of the CASR protein (p.Gly1031Asp).

NM_000388.4(CASR):c.3092G>A (p.Gly1031Asp)

Gene: CASR (calcium sensing receptor; plus strand). Cytogenetic location: 3q21.1.
Variant type: single nucleotide variant.
Coding change: c.3092G>A on transcript NM_000388.4 (MANE Select); coding-DNA position 3092, G replaced by A.
Protein change: p.Gly1031Asp; replaces glycine 1031 with aspartic acid.
Molecular consequence: missense variant.
Genome position (GRCh38, 1-based): chr3:122,285,046, G>A. VCF-style: chr3-122285046-G-A. GRCh37 (hg19) VCF-style: chr3-122003893-G-A.
Other names: c.3122G>A, p.Gly1041Asp (NM_001178065.2); short protein forms G1041D, G1031D.
Identifiers: ClinVar variation 1037558 (VCV001037558.11), dbSNP rs201739901, ClinGen allele CA82749549.
Genomic context (GRCh38, chr3:122,285,046, plus strand): 5'-AGCCATTACTCCCGCTGCAGTGCGGGGAAACGGACTTAGATCTGACCGTCCAGGAAACAG[G>A]TCTGCAAGGACCTGTGGGTGGAGACCAGCGGCCAGAGGTGGAGGACCCTGAAGAGTTGTC-3'
Protein context (NP_000379.3, residues 1021-1041): TDLDLTVQET[Gly1031Asp]LQGPVGGDQR